The following is an entry in ClinVar:

NM_015214.3(DDHD2):c.1617+6C>T

Gene: DDHD2 (DDHD domain containing 2; plus strand). Cytogenetic location: 8p11.23.
Variant type: single nucleotide variant.
Coding change: c.1617+6C>T on transcript NM_015214.3 (MANE Select); 6 bases into the intron after coding-DNA position 1617, C replaced by T.
Molecular consequence: intron variant.
Genome position (GRCh38, 1-based): chr8:38,252,293, C>T. VCF-style: chr8-38252293-C-T. GRCh37 (hg19) VCF-style: chr8-38109811-C-T.
Other names: c.1617+6C>T (NM_001362914.2, NM_001362912.2, NM_001362911.2 and 1 more transcripts); c.1527+6C>T (NM_001362913.2).
Identifiers: ClinVar variation 512713 (VCV000512713.1), dbSNP rs548574512, ClinGen allele CA4716310.

ClinVar aggregate classification (germline): Likely benign (1 of 4 stars; one submission).

Allele frequency attached by ClinVar (database versions not stated): ExAC 0.00002; gnomAD exomes 0.00004; TOPMed 0.00004; 1000 Genomes Project 30x 0.00016; 1000 Genomes Project 0.00020.
gnomAD v4.1: 58 of 1,605,744 alleles (0.0036%); highest among the groups gnomAD compares: Admixed American, 0.014%; no homozygotes.

Submission:

GeneDx
Classification: Likely benign. Last evaluated: 2017-10-19. Review status: criteria provided, single submitter. Criteria: GeneDx Variant Classification (06012015). Collection method: clinical testing. Allele origin: germline. Affected: yes.
Comment: This variant is considered likely benign or benign based on one or more of the following criteria: it is a conservative change, it occurs at a poorly conserved position in the protein, it is predicted to be benign by multiple in silico algorithms, and/or has population frequency not consistent with disease.